The following is an entry in ClinVar:

ClinVar aggregate classification (germline): Pathogenic. Review status: criteria provided, single submitter (1 of 4 stars). 2 submissions from 2 submitters: Pathogenic (1). 1 of the submissions does not count toward it. Last evaluated 2022-04-07.

Conditions:
Charcot-Marie-Tooth disease. Also called: Charcot-Marie-Tooth Hereditary Neuropathy; Charcot-Marie-Tooth Neuropathy. Identifiers: Orphanet 166, MedGen C0007959, MONDO:0015626.
Charcot-Marie-Tooth Neuropathy X. Identifiers: MedGen CN118851.

Submissions (2):

Labcorp Genetics (formerly Invitae), Labcorp
Classification: Pathogenic for Charcot-Marie-Tooth Neuropathy X. Last evaluated: 2022-04-07. Review status: criteria provided, single submitter. Criteria: Invitae Variant Classification Sherloc (09022015). Collection method: clinical testing. Allele origin: germline.
Comment: This sequence change replaces phenylalanine, which is neutral and non-polar, with leucine, which is neutral and non-polar, at codon 69 of the GJB1 protein (p.Phe69Leu). This variant is not present in population databases (gnomAD no frequency). This missense change has been observed in individuals with Charcot-Marie-Tooth disease (PMID: 10923043, 17100997, 29998508). It has also been observed to segregate with disease in related individuals. ClinVar contains an entry for this variant (Variation ID: 637244). Algorithms developed to predict the effect of missense changes on protein structure and function are either unavailable or do not agree on the potential impact of this missense change (SIFT: "Deleterious"; PolyPhen-2: "Probably Damaging"; Align-GVGD: "Class C0"). For these reasons, this variant has been classified as Pathogenic.

Inherited Neuropathy Consortium
Classification: Uncertain significance for Charcot-Marie-Tooth disease. Review status: no assertion criteria provided. Collection method: literature only. Allele origin: germline. Affected: yes. Not counted in ClinVar's aggregate classification.

Literature cited by the submitters: PubMed 10923043 (cited by Labcorp Genetics (formerly Invitae), Labcorp); PubMed 17100997 (cited by Labcorp Genetics (formerly Invitae), Labcorp and Inherited Neuropathy Consortium); PubMed 29998508 (cited by Labcorp Genetics (formerly Invitae), Labcorp).

NM_000166.6(GJB1):c.205T>C (p.Phe69Leu)

Gene: GJB1 (gap junction protein beta 1; plus strand). Cytogenetic location: Xq13.1.
Variant type: single nucleotide variant.
Coding change: c.205T>C on transcript NM_000166.6 (MANE Select); coding-DNA position 205, T replaced by C.
Protein change: p.Phe69Leu; replaces phenylalanine 69 with leucine.
Molecular consequence: missense variant.
Genome position (GRCh38, 1-based): chrX:71,223,912, T>C. VCF-style: chrX-71223912-T-C. GRCh37 (hg19) VCF-style: chrX-70443762-T-C.
Other names: c.205T>C, p.Phe69Leu (NM_001097642.3); short protein forms F69L.
Identifiers: ClinVar variation 637244 (VCV000637244.5), dbSNP rs1602348917, ClinGen allele CA413501457.